The following is an entry in ClinVar:

NM_018105.2(THAP1):c.-240G>A

Gene: THAP1 (THAP domain containing 1; minus strand). Cytogenetic location: 8p11.21.
Variant type: single nucleotide variant.
Coding change: c.-240G>A on transcript NM_018105.2; 240 bases upstream of the start codon, G replaced by A.
Genome position (GRCh38, 1-based): chr8:42,843,334, C>T on the plus strand (G>A on the coding strand, the complement: THAP1 is on the minus strand). VCF-style: chr8-42843334-C-T. GRCh37 (hg19) VCF-style: chr8-42698477-C-T.
Identifiers: ClinVar variation 369610 (VCV000369610.7), dbSNP rs187837632, ClinGen allele CA10654722.

ClinVar aggregate classification (germline): Benign (1 of 4 stars; one submission).

Conditions:
Torsion dystonia 6 (DYT6). Also called: DYT-THAP1. Identifiers: Orphanet 98806, MedGen C1414216, MONDO:0011264, OMIM 602629.

Allele frequency attached by ClinVar (database versions not stated): TOPMed 0.00182; 1000 Genomes Project 30x 0.00234; 1000 Genomes Project 0.00200.

Submission:

Illumina Laboratory Services, Illumina
Classification: Benign for Torsion dystonia 6. Last evaluated: 2018-01-13. Review status: criteria provided, single submitter. Criteria: ICSL Variant Classification Criteria 13 December 2019. Collection method: clinical testing. Allele origin: germline.
Comment: This variant was observed in the ICSL laboratory as part of a predisposition screen in an ostensibly healthy population. It had not been previously curated by ICSL or reported in the Human Gene Mutation Database (HGMD: prior to June 1st, 2018), and was therefore a candidate for classification through an automated scoring system. Utilizing variant allele frequency, disease prevalence and penetrance estimates, and inheritance mode, an automated score was calculated to assess if this variant is too frequent to cause the disease. Based on the score and internal cut-off values, a variant classified as benign is not then subjected to further curation. The score for this variant resulted in a classification of benign for this disease.